The following is an entry in ClinVar:

ClinVar aggregate classification (germline): Likely benign (0 of 4 stars; one submission).

Conditions:
ARHGAP32-related disorder. Also called: ARHGAP32-related condition.

Allele frequency attached by ClinVar (database versions not stated): 1000 Genomes Project 30x 0.00031; 1000 Genomes Project 0.00040; TOPMed 0.00079; ESP Exome Variant Server 0.00100; gnomAD exomes 0.00107; gnomAD 0.00111; ExAC 0.00128.
gnomAD v4.1: 1,718 of 1,613,896 alleles (0.11%); highest among the groups gnomAD compares: Non-Finnish European, 0.12%; 7 homozygotes.

Submission:

PreventionGenetics, part of Exact Sciences
Classification: Likely benign for ARHGAP32-related condition. Last evaluated: 2023-03-23. Review status: no assertion criteria provided. Collection method: clinical testing. Allele origin: germline.
Comment: This variant is classified as likely benign based on ACMG/AMP sequence variant interpretation guidelines (Richards et al. 2015 PMID: 25741868, with internal and published modifications).

NM_001378024.1(ARHGAP32):c.3659G>A (p.Arg1220His)

Gene: ARHGAP32 (Rho GTPase activating protein 32; minus strand). Cytogenetic location: 11q24.3.
Variant type: single nucleotide variant.
Coding change: c.3659G>A on transcript NM_001378024.1 (MANE Select); coding-DNA position 3659, G replaced by A.
Protein change: p.Arg1220His; replaces arginine 1220 with histidine.
Molecular consequence: missense variant.
Genome position (GRCh38, 1-based): chr11:128,972,847, C>T on the plus strand (G>A on the coding strand, the complement: ARHGAP32 is on the minus strand). VCF-style: chr11-128972847-C-T. GRCh37 (hg19) VCF-style: chr11-128842742-C-T.
Other names: c.3617G>A, p.Arg1206His (NM_001142685.2); c.3497G>A, p.Arg1166His (NM_001378025.1); c.2570G>A, p.Arg857His (NM_014715.4); short protein forms R1166H, R1206H, R1220H, R857H.
Identifiers: ClinVar variation 3050513 (VCV003050513.2), dbSNP rs139276969, ClinGen allele CA6358731.